The following is an entry in ClinVar:

ClinVar aggregate classification (germline): Uncertain significance (1 of 4 stars; one submission).

Conditions:
Hereditary cancer-predisposing syndrome. Also called: Tumor predisposition; Hereditary Cancer Syndrome; Hereditary neoplastic syndrome; Neoplastic Syndromes, Hereditary. Identifiers: Orphanet 140162, MedGen C0027672, MeSH D009386, MONDO:0015356.

Submission:

Ambry Genetics
Classification: Uncertain significance for Hereditary cancer-predisposing syndrome. Last evaluated: 2023-06-28. Review status: criteria provided, single submitter. Criteria: Ambry Variant Classification Scheme 2023. Collection method: clinical testing. Allele origin: germline.
Comment: The p.N499S variant (also known as c.1496A>G), located in coding exon 12 of the POLD1 gene, results from an A to G substitution at nucleotide position 1496. The asparagine at codon 499 is replaced by serine, an amino acid with highly similar properties. This amino acid position is conserved. In addition, this alteration is predicted to be tolerated by in silico analysis. Since supporting evidence is limited at this time, the clinical significance of this alteration remains unclear.

NM_002691.4(POLD1):c.1496A>G (p.Asn499Ser)

Gene: POLD1 (DNA polymerase delta 1, catalytic subunit; plus strand). Cytogenetic location: 19q13.33.
Variant type: single nucleotide variant.
Coding change: c.1496A>G on transcript NM_002691.4 (MANE Select); coding-DNA position 1496, A replaced by G.
Protein change: p.Asn499Ser; replaces asparagine 499 with serine.
Molecular consequence: missense variant. On other transcripts: non-coding transcript variant (1).
Genome position (GRCh38, 1-based): chr19:50,406,984, A>G. VCF-style: chr19-50406984-A-G. GRCh37 (hg19) VCF-style: chr19-50910241-A-G.
Other names: c.1496A>G, p.Asn499Ser (NM_001256849.1, NM_001308632.1); short protein forms N499S.
Identifiers: ClinVar variation 2625395 (VCV002625395.2), dbSNP rs2513999191, ClinGen allele CA406980744.
Genomic context (GRCh38, chr19:50,406,984, plus strand): 5'-CCTGCTCCACCTCCCACCCCCAACCCCTGGTCCCTGACCCCATCCGTGCCCATCCCCAGA[A>G]TGGGAACGACCAGACCCGCCGCCGCCTGGCTGTGTACTGCCTGAAGGATGCCTACCTGCC-3'
Protein context (NP_002682.2, residues 489-509): VQHSIITDLQ[Asn499Ser]GNDQTRRRLA